The following is an entry in ClinVar:

ClinVar aggregate classification (germline): Likely benign. Review status: criteria provided, multiple submitters, no conflicts (2 of 4 stars). 2 submissions from 2 submitters: Likely benign (2). Last evaluated 2023-07-16.

Allele frequency attached by ClinVar (database versions not stated): gnomAD exomes below 0.00001; gnomAD 0.00001.
gnomAD v4.1: 4 of 1,199,419 alleles (0.00033%); highest among the groups gnomAD compares: African/African-American, 0.0035%; no homozygotes.

Submissions (2):

Labcorp Genetics (formerly Invitae), Labcorp
Classification: Likely benign. Last evaluated: 2023-07-16. Review status: criteria provided, single submitter. Criteria: Invitae Variant Classification Sherloc (09022015). Collection method: clinical testing. Allele origin: germline.

CeGaT Center for Human Genetics Tuebingen
Classification: Likely benign. Last evaluated: 2022-03-01. Review status: criteria provided, single submitter. Criteria: CeGaT Center For Human Genetics Tuebingen Variant Classification Criteria Version 2. Collection method: clinical testing. Allele origin: germline. Affected: yes. Observed: 1 variant allele.
Comment: COL4A5: BP4

NM_033380.3(COL4A5):c.4525T>C (p.Leu1509=)

Gene: COL4A5 (collagen type IV alpha 5 chain; plus strand). Cytogenetic location: Xq22.3.
Variant type: single nucleotide variant.
Coding change: c.4525T>C on transcript NM_033380.3 (MANE Select); coding-DNA position 4525, T replaced by C.
Protein change: p.Leu1509=; no amino-acid change (leucine 1509 retained).
Molecular consequence: synonymous variant.
Genome position (GRCh38, 1-based): chrX:108,687,691, T>C. VCF-style: chrX-108687691-T-C. GRCh37 (hg19) VCF-style: chrX-107930921-T-C.
Other names: c.4507T>C, p.Leu1503= (NM_000495.5).
Identifiers: ClinVar variation 764496 (VCV000764496.32), dbSNP rs1603323457, ClinGen allele CA517924707.